The following is an entry in ClinVar:

ClinVar aggregate classification (germline): Uncertain significance. Review status: criteria provided, multiple submitters, no conflicts (2 of 4 stars). 2 submissions from 2 submitters: Uncertain significance (2). Last evaluated 2023-05-31.

Conditions:
Familial sleep-related hypermotor epilepsy. Also called: Autosomal Dominant Sleep-Related Hypermotor (Hyperkinetic) Epilepsy. Identifiers: Orphanet 98784, MedGen C3696898, MONDO:0000030.

Submissions (2):

GeneDx
Classification: Uncertain significance. Last evaluated: 2023-05-31. Review status: criteria provided, single submitter. Criteria: GeneDx Variant Classification Process June 2021. Collection method: clinical testing. Allele origin: germline. Affected: yes.
Comment: Not observed at significant frequency in large population cohorts (gnomAD); Frameshift variant predicted to result in protein truncation or nonsense mediated decay in a gene for which loss-of-function is not a known mechanism of disease; Has not been previously published as pathogenic or benign to our knowledge

Labcorp Genetics (formerly Invitae), Labcorp
Classification: Uncertain significance. Last evaluated: 2021-05-20. Review status: criteria provided, single submitter. Criteria: Invitae Variant Classification Sherloc (09022015). Collection method: clinical testing. Allele origin: germline.
Comment: In summary, the available evidence is currently insufficient to determine the role of this variant in disease. Therefore, it has been classified as a Variant of Uncertain Significance. The current clinical and genetic evidence is not sufficient to establish whether loss-of-function variants in CHRNA4 cause disease. This variant has not been reported in the literature in individuals with CHRNA4-related conditions. The frequency data for this variant in the population databases is considered unreliable, as metrics indicate insufficient coverage at this position in the ExAC database. This sequence change creates a premature translational stop signal (p.Gly5Alafs*37) in the CHRNA4 gene. It is expected to result in an absent or disrupted protein product.

NM_000744.7(CHRNA4):c.14del (p.Gly5fs)

Genes: CHRNA4 (cholinergic receptor nicotinic alpha 4 subunit; minus strand), LOC100130587 (uncharacterized LOC100130587; plus strand). Cytogenetic location: 20q13.33.
Variant type: Deletion.
Coding change: c.14del on transcript NM_000744.7 (MANE Select); coding-DNA position 14, one base deleted (G; older notation c.14delG).
Protein change: p.Gly5fs; shifts the reading frame from glycine 5.
Molecular consequence: frameshift variant. On other transcripts: non-coding transcript variant (1), intron variant (1).
Genome position (GRCh38, 1-based): chr20:63,361,152, C deleted on the plus strand (G on the coding strand, the reverse complement: CHRNA4 is on the minus strand); the first of 5 consecutive C bases (chr20:63,361,152-63,361,156); deleting any one gives the same sequence. VCF-style (leftmost placement, unchanged base first): chr20-63361151-GC-G. GRCh37 (hg19) VCF-style: chr20-61992503-GC-G.
Other names: c.-471+25del (NM_001256573.2); c.14del (NM_000744.5); short protein forms G5fs.
Identifiers: ClinVar variation 944850 (VCV000944850.8), dbSNP rs2068814247, ClinGen allele CA1139666776.